The following is an entry in ClinVar:

NM_203408.4(FAM47A):c.703C>A (p.Leu235Ile)

Gene: FAM47A (family with sequence similarity 47 member A; minus strand). Cytogenetic location: Xp21.1.
Variant type: single nucleotide variant.
Coding change: c.703C>A on transcript NM_203408.4 (MANE Select); coding-DNA position 703, C replaced by A.
Protein change: p.Leu235Ile; replaces leucine 235 with isoleucine.
Molecular consequence: missense variant.
Genome position (GRCh38, 1-based): chrX:34,131,576, G>T on the plus strand (C>A on the coding strand, the complement: FAM47A is on the minus strand). VCF-style: chrX-34131576-G-T. GRCh37 (hg19) VCF-style: chrX-34149693-G-T.
Other names: short protein forms L235I.
Identifiers: ClinVar variation 3024790 (VCV003024790.22), dbSNP rs201363312, ClinGen allele CA10380619.
Genomic context (GRCh38, chrX:34,131,576, plus strand): 5'-GAGTGATGGGAGGCCCCGGGCGGATATGGGACACTCCAGTCTCTGGAGGCTCCGGGCGGA[G>T]ATGGGACACTCCAGTCTCAGGAGGCTCCGGGCGGAGACTGGACACCGGAGTCTTGGGAGG-3'
Protein context (NP_981953.2, residues 225-245): PEPPETGVSH[Leu235Ile]RPEPPETGVS

ClinVar aggregate classification (germline): Likely benign (1 of 4 stars; one submission).

Allele frequency attached by ClinVar (database versions not stated): gnomAD 0.00012; ESP Exome Variant Server 0.00559.

Submission:

CeGaT Center for Human Genetics Tuebingen
Classification: Likely benign. Last evaluated: 2024-02-01. Review status: criteria provided, single submitter. Criteria: CeGaT Center For Human Genetics Tuebingen Variant Classification Criteria Version 2. Collection method: clinical testing. Allele origin: germline. Affected: yes. Observed: 1 variant allele.
Comment: FAM47A: BP4, BS2